The following is an entry in ClinVar:

ClinVar aggregate classification (germline): Likely pathogenic. Review status: criteria provided, multiple submitters, no conflicts (2 of 4 stars). 4 submissions from 4 submitters: Likely pathogenic (4). Last evaluated 2024-06-05.

Conditions:
Fanconi anemia (FA). Also called: Fanconi's anemia. Identifiers: Orphanet 84, MedGen C0015625, MeSH D005199, MONDO:0019391.
Fanconi anemia complementation group D2. Also called: FANCD2-Related Fanconi Anemia; FANCONI PANCYTOPENIA, TYPE 4; FANCONI ANEMIA, COMPLEMENTATION GROUP D. Identifiers: Orphanet 84, MedGen C3160738, MONDO:0009214, OMIM 227646.

Allele frequency attached by ClinVar (database versions not stated): gnomAD 0.00001; gnomAD exomes 0.00001; TOPMed 0.00001.

Submissions (4):

Labcorp Genetics (formerly Invitae), Labcorp
Classification: Likely pathogenic for Fanconi anemia. Last evaluated: 2024-06-05. Review status: criteria provided, single submitter. Criteria: Invitae Variant Classification Sherloc (09022015). Collection method: clinical testing. Allele origin: germline.
Comment: This sequence change affects a donor splice site in intron 24 of the FANCD2 gene. It is expected to disrupt RNA splicing. Variants that disrupt the donor or acceptor splice site typically lead to a loss of protein function (PMID: 16199547), and loss-of-function variants in FANCD2 are known to be pathogenic (PMID: 17436244). This variant is present in population databases (no rsID available, gnomAD 0.004%). This variant has not been reported in the literature in individuals affected with FANCD2-related conditions. ClinVar contains an entry for this variant (Variation ID: 2653512). Algorithms developed to predict the effect of sequence changes on RNA splicing suggest that this variant may disrupt the consensus splice site. In summary, the currently available evidence indicates that the variant is pathogenic, but additional data are needed to prove that conclusively. Therefore, this variant has been classified as Likely Pathogenic.

Fulgent Genetics
Classification: Likely pathogenic for Fanconi anemia complementation group D2. Last evaluated: 2024-04-16. Review status: criteria provided, single submitter. Criteria: ACMG Guidelines, 2015. Collection method: clinical testing. Allele origin: germline.

Baylor Genetics
Classification: Likely pathogenic for Fanconi anemia complementation group D2. Last evaluated: 2024-03-20. Review status: criteria provided, single submitter. Criteria: ACMG Guidelines, 2015. Collection method: clinical testing. Allele origin: unknown.

CeGaT Center for Human Genetics Tuebingen
Classification: Likely pathogenic. Last evaluated: 2023-09-01. Review status: criteria provided, single submitter. Criteria: CeGaT Center For Human Genetics Tuebingen Variant Classification Criteria Version 2. Collection method: clinical testing. Allele origin: germline. Affected: yes. Observed: 1 variant allele.
Comment: FANCD2: PVS1

Literature cited by the submitters: PubMed 16199547 (cited by Labcorp Genetics (formerly Invitae), Labcorp); PubMed 17436244 (cited by Labcorp Genetics (formerly Invitae), Labcorp).

NM_001018115.3(FANCD2):c.2269+1G>A

Genes: FANCD2 (FA complementation group D2; plus strand), LOC107303338 (3p25 FANCD2 Alu-mediated recombination region; plus strand). Cytogenetic location: 3p25.3.
Variant type: single nucleotide variant.
Coding change: c.2269+1G>A on transcript NM_001018115.3 (MANE Select); the canonical splice donor site of the intron after coding-DNA position 2269, G replaced by A.
Molecular consequence: splice donor variant.
Genome position (GRCh38, 1-based): chr3:10,065,495, G>A. VCF-style: chr3-10065495-G-A. GRCh37 (hg19) VCF-style: chr3-10107179-G-A.
Other names: c.2269+1G>A (NM_033084.4, NM_001319984.2, NM_033084.6 and 1 more transcripts); c.2158+1G>A (NM_001374253.1).
Identifiers: ClinVar variation 2653512 (VCV002653512.28), dbSNP rs1378153259, ClinGen allele CA351735095.